The following is an entry in ClinVar:

ClinVar aggregate classification (germline): Uncertain significance. Review status: criteria provided, multiple submitters, no conflicts (2 of 4 stars). 2 submissions from 2 submitters: Uncertain significance (2). Last evaluated 2022-10-27.

Conditions:
Mitochondrial complex II deficiency, nuclear type 1. Also called: SUCCINATE CoQ REDUCTASE DEFICIENCY. Identifiers: Orphanet 3208, MedGen C5700310, MONDO:0100294, OMIM 252011.
Pheochromocytoma/paraganglioma syndrome 5. Also called: Paragangliomas 5; SDHA-Related Hereditary Paraganglioma-Pheochromocytoma Syndrome. Identifiers: Orphanet 29072, MedGen C3279992, MONDO:0013602, OMIM 614165.
Hereditary cancer-predisposing syndrome. Also called: Tumor predisposition; Hereditary Cancer Syndrome; Hereditary neoplastic syndrome; Neoplastic Syndromes, Hereditary. Identifiers: Orphanet 140162, MedGen C0027672, MeSH D009386, MONDO:0015356.

Submissions (2):

Ambry Genetics
Classification: Uncertain significance for Hereditary cancer-predisposing syndrome. Last evaluated: 2022-10-27. Review status: criteria provided, single submitter. Criteria: Ambry Variant Classification Scheme 2023. Collection method: clinical testing. Allele origin: germline.
Comment: The p.V402L variant (also known as c.1204G>C), located in coding exon 9 of the SDHA gene, results from a G to C substitution at nucleotide position 1204. The valine at codon 402 is replaced by leucine, an amino acid with highly similar properties. This amino acid position is conserved. In addition, this alteration is predicted to be deleterious by in silico analysis. Since supporting evidence is limited at this time, the clinical significance of this alteration remains unclear.

Labcorp Genetics (formerly Invitae), Labcorp
Classification: Uncertain significance for Pheochromocytoma/paraganglioma syndrome 5; Mitochondrial complex II deficiency, nuclear type 1. Last evaluated: 2021-08-12. Review status: criteria provided, single submitter. Criteria: Invitae Variant Classification Sherloc (09022015). Collection method: clinical testing. Allele origin: germline.
Comment: In summary, the available evidence is currently insufficient to determine the role of this variant in disease. Therefore, it has been classified as a Variant of Uncertain Significance. Algorithms developed to predict the effect of missense changes on protein structure and function are either unavailable or do not agree on the potential impact of this missense change (SIFT: "Deleterious"; PolyPhen-2: "Possibly Damaging"; Align-GVGD: "Class C0"). This variant has not been reported in the literature in individuals affected with SDHA-related conditions. This variant is not present in population databases (ExAC no frequency). This sequence change replaces valine with leucine at codon 402 of the SDHA protein (p.Val402Leu). The valine residue is highly conserved and there is a small physicochemical difference between valine and leucine.

NM_004168.4(SDHA):c.1204G>C (p.Val402Leu)

Gene: SDHA (succinate dehydrogenase complex flavoprotein subunit A; plus strand). Cytogenetic location: 5p15.33.
Variant type: single nucleotide variant.
Coding change: c.1204G>C on transcript NM_004168.4 (MANE Select); coding-DNA position 1204, G replaced by C.
Protein change: p.Val402Leu; replaces valine 402 with leucine.
Molecular consequence: missense variant.
Genome position (GRCh38, 1-based): chr5:235,283, G>C. VCF-style: chr5-235283-G-C. GRCh37 (hg19) VCF-style: chr5-235398-G-C.
Other names: c.1060G>C, p.Val354Leu (NM_001294332.2); c.1204G>C, p.Val402Leu (NM_001330758.2); short protein forms V354L, V402L.
Identifiers: ClinVar variation 1420219 (VCV001420219.8), dbSNP rs2126585344, ClinGen allele CA359013663.